The following is an entry in ClinVar:

NM_000051.4(ATM):c.9068del (p.Gly3023fs)

Genes: ATM (ATM serine/threonine kinase; plus strand), C11orf65 (chromosome 11 open reading frame 65; minus strand). Cytogenetic location: 11q22.3.
Variant type: Deletion.
Coding change: c.9068del on transcript NM_000051.4 (MANE Select); coding-DNA position 9068, one base deleted (G; older notation c.9068delG).
Protein change: p.Gly3023fs; shifts the reading frame from glycine 3023.
Molecular consequence: frameshift variant. On other transcripts: intron variant (2).
Genome position (GRCh38, 1-based): chr11:108,365,405, G deleted; the last of 2 consecutive G bases (chr11:108,365,404-108,365,405); deleting either gives the same sequence. VCF-style (leftmost placement, unchanged base first): chr11-108365403-AG-A. GRCh37 (hg19) VCF-style: chr11-108236130-AG-A.
Other names: c.9068del, p.Gly3023fs (NM_001351834.2); c.640+20516del (NM_001330368.2); c.694+20516del (NM_001351110.2); short protein forms G3023fs.
Identifiers: ClinVar variation 694581 (VCV000694581.4), dbSNP rs1591387383, ClinGen allele CA915947678.
Genomic context (GRCh38, chr11:108,365,403, plus strand): 5'-CAACAAAGTAGCTGAACGTGTCTTAATGAGACTACAAGAGAAACTGAAAGGAGTGGAAGA[AG>A]GCACTGTGCTCAGTGTTGGTGGACAAGTGAATTTGCTCATACAGCAGGCCATAGACCCCA-3'

ClinVar aggregate classification (germline): Likely pathogenic (0 of 4 stars; one submission).

Conditions:
Familial cancer of breast. Also called: Hereditary breast cancer; BREAST CANCER, FAMILIAL; hereditary breast carcinoma. Identifiers: Orphanet 227535, MedGen C0346153, MONDO:0016419, OMIM 114480. Disease mechanism: loss of function.

Submission:

MVZ Praenatalmedizin und Genetik Nuernberg
Classification: Likely pathogenic for Familial cancer of breast. Last evaluated: 2019-03-31. Review status: no assertion criteria provided. Collection method: clinical testing. Allele origin: germline. Inheritance: Autosomal dominant inheritance. Affected: yes. Observed: 1 heterozygote.
Comment: GnomAD shows no entry for this variant (very rare or private variant). This frameshift-variant results in a premature stop-codon in exon 63. Since this is the last exon of ATM we do not expect nonsense mediated decay. However ClinVar lists several nonsense mutations further downstream (e.g. p.Ser3027Lysfs, p.Arg3047Ter, p. Phe3049Profs) with likely-pathogenic/pathogenic classification. For one of these variants functional analyses showed effects on ATM kinase activity (PMID: 19431188). Taken together, we classify this variant as likely pathogenic.